The following is an entry in ClinVar:

ClinVar aggregate classification (germline): Uncertain significance. Review status: criteria provided, multiple submitters, no conflicts (2 of 4 stars). 2 submissions from 2 submitters: Uncertain significance (2). Last evaluated 2024-04-23.

Conditions:
Fanconi anemia complementation group E (FANCE). Also called: FANCE-Related Fanconi Anemia. Identifiers: Orphanet 84, MedGen C3160739, MONDO:0010953, OMIM 600901.

Allele frequency attached by ClinVar (database versions not stated): ExAC 0.00003; gnomAD 0.00003; TOPMed 0.00005; ESP Exome Variant Server 0.00008.
gnomAD v4.1: 40 of 1,614,040 alleles (0.0025%); highest among the groups gnomAD compares: Middle Eastern, 0.016%; no homozygotes.

Submissions (2):

Fulgent Genetics
Classification: Uncertain significance for Fanconi anemia complementation group E. Last evaluated: 2024-04-23. Review status: criteria provided, single submitter. Criteria: ACMG Guidelines, 2015. Collection method: clinical testing. Allele origin: germline.

Labcorp Genetics (formerly Invitae), Labcorp
Classification: Uncertain significance for Fanconi anemia complementation group E. Last evaluated: 2024-03-19. Review status: criteria provided, single submitter. Criteria: Invitae Variant Classification Sherloc (09022015). Collection method: clinical testing. Allele origin: germline.
Comment: This sequence change replaces proline, which is neutral and non-polar, with alanine, which is neutral and non-polar, at codon 310 of the FANCE protein (p.Pro310Ala). This variant is present in population databases (rs372788363, gnomAD 0.004%). This variant has not been reported in the literature in individuals affected with FANCE-related conditions. ClinVar contains an entry for this variant (Variation ID: 2147308). Advanced modeling of protein sequence and biophysical properties (such as structural, functional, and spatial information, amino acid conservation, physicochemical variation, residue mobility, and thermodynamic stability) performed at Invitae indicates that this missense variant is expected to disrupt FANCE protein function with a positive predictive value of 80%. In summary, the available evidence is currently insufficient to determine the role of this variant in disease. Therefore, it has been classified as a Variant of Uncertain Significance.

NM_021922.3(FANCE):c.928C>G (p.Pro310Ala)

Gene: FANCE (FA complementation group E; plus strand). Cytogenetic location: 6p21.31.
Variant type: single nucleotide variant.
Coding change: c.928C>G on transcript NM_021922.3 (MANE Select); coding-DNA position 928, C replaced by G.
Protein change: p.Pro310Ala; replaces proline 310 with alanine.
Molecular consequence: missense variant.
Genome position (GRCh38, 1-based): chr6:35,457,943, C>G. VCF-style: chr6-35457943-C-G. GRCh37 (hg19) VCF-style: chr6-35425720-C-G.
Other names: c.928C>G, p.Pro310Ala (NM_001410876.1); short protein forms P310A.
Identifiers: ClinVar variation 2147308 (VCV002147308.4), dbSNP rs372788363, ClinGen allele CA3771536.